The following is an entry in ClinVar:

NM_007259.5(VPS45):c.115T>A (p.Tyr39Asn)

Gene: VPS45 (vacuolar protein sorting 45 homolog; plus strand). Cytogenetic location: 1q21.2.
Variant type: single nucleotide variant.
Coding change: c.115T>A on transcript NM_007259.5 (MANE Select); coding-DNA position 115, T replaced by A.
Protein change: p.Tyr39Asn; replaces tyrosine 39 with asparagine.
Molecular consequence: missense variant. On other transcripts: non-coding transcript variant (1).
Genome position (GRCh38, 1-based): chr1:150,068,651, T>A. VCF-style: chr1-150068651-T-A. GRCh37 (hg19) VCF-style: chr1-150040708-T-A.
Other names: c.7T>A, p.Tyr3Asn (NM_001279353.2, NM_001279354.2); short protein forms Y39N, Y3N.
Identifiers: ClinVar variation 1379915 (VCV001379915.5), dbSNP rs188130682, ClinGen allele CA1073040.

ClinVar aggregate classification (germline): Uncertain significance (1 of 4 stars; one submission).

Conditions:
Congenital neutropenia-myelofibrosis-nephromegaly syndrome. Also called: Severe congenital neutropenia 5, autosomal recessive. Identifiers: Orphanet 369852, MedGen C3809031, MONDO:0014118, OMIM 615285.

Allele frequency attached by ClinVar (database versions not stated): gnomAD exomes below 0.00001; ExAC 0.00001; TOPMed 0.00001; 1000 Genomes Project 30x 0.00016; 1000 Genomes Project 0.00020.
gnomAD v4.1: 2 of 1,609,256 alleles (0.00012%); highest among the groups gnomAD compares: African/African-American, 0.0027%; no homozygotes.

Submission:

Labcorp Genetics (formerly Invitae), Labcorp
Classification: Uncertain significance for Congenital neutropenia-myelofibrosis-nephromegaly syndrome. Last evaluated: 2021-08-31. Review status: criteria provided, single submitter. Criteria: Invitae Variant Classification Sherloc (09022015). Collection method: clinical testing. Allele origin: germline.
Comment: This sequence change replaces tyrosine with asparagine at codon 39 of the VPS45 protein (p.Tyr39Asn). The tyrosine residue is moderately conserved and there is a large physicochemical difference between tyrosine and asparagine. This variant is present in population databases (rs188130682, ExAC 0.01%). This variant has not been reported in the literature in individuals affected with VPS45-related conditions. Algorithms developed to predict the effect of missense changes on protein structure and function are either unavailable or do not agree on the potential impact of this missense change (SIFT: "Tolerated"; PolyPhen-2: "Probably Damaging"; Align-GVGD: "Class C15"). Algorithms developed to predict the effect of sequence changes on RNA splicing suggest that this variant may create or strengthen a splice site. In summary, the available evidence is currently insufficient to determine the role of this variant in disease. Therefore, it has been classified as a Variant of Uncertain Significance.